The following is an entry in ClinVar:

ClinVar aggregate classification (germline): Likely benign. Review status: criteria provided, multiple submitters, no conflicts (2 of 4 stars). 2 submissions from 2 submitters: Likely benign (2). Last evaluated 2025-10-02.

Conditions:
Familial cancer of breast. Also called: hereditary breast carcinoma; BREAST CANCER, FAMILIAL; Hereditary breast cancer. Identifiers: Orphanet 227535, MedGen C0346153, MONDO:0016419, OMIM 114480. Disease mechanism: loss of function.

Allele frequency attached by ClinVar (database versions not stated): gnomAD exomes below 0.00001 and 0.00001; TOPMed 0.00001.
gnomAD v4.1: 1 of 1,536,892 alleles (0.000065%); highest among the groups gnomAD compares: East Asian, 0.0022%; no homozygotes.

Submissions (2):

Labcorp Genetics (formerly Invitae), Labcorp
Classification: Likely benign for Familial cancer of breast. Last evaluated: 2025-10-02. Review status: criteria provided, single submitter. Criteria: Invitae Variant Classification Sherloc (09022015). Collection method: clinical testing. Allele origin: germline.

GeneDx
Classification: Likely benign. Last evaluated: 2017-07-24. Review status: criteria provided, single submitter. Criteria: GeneDx Variant Classification (06012015). Collection method: clinical testing. Allele origin: germline. Affected: yes.
Comment: This variant is considered likely benign or benign based on one or more of the following criteria: it is a conservative change, it occurs at a poorly conserved position in the protein, it is predicted to be benign by multiple in silico algorithms, and/or has population frequency not consistent with disease.

NM_007194.4(CHEK2):c.1461+18C>T

Gene: CHEK2 (checkpoint kinase 2; minus strand). Cytogenetic location: 22q12.1.
Variant type: single nucleotide variant.
Coding change: c.1461+18C>T on transcript NM_007194.4 (MANE Select); 18 bases into the intron after coding-DNA position 1461, C replaced by T.
Molecular consequence: intron variant.
Genome position (GRCh38, 1-based): chr22:28,694,014, G>A on the plus strand (C>T on the coding strand, the complement: CHEK2 is on the minus strand). VCF-style: chr22-28694014-G-A. GRCh37 (hg19) VCF-style: chr22-29090002-G-A.
Other names: c.798+18C>T (NM_001437942.1, NM_001257387.3); c.1260+18C>T (NM_001349956.3); c.1374+18C>T (NM_145862.3); c.1467+18C>T (NM_001438295.1); c.1554+18C>T (NM_001438293.1); c.1503+18C>T (NM_001438294.1); c.1590+18C>T (NM_001005735.3).
Identifiers: ClinVar variation 510896 (VCV000510896.9), dbSNP rs1260246390, ClinGen allele CA638797461.